The following is an entry in ClinVar:

NM_153700.2(STRC):c.3360T>C (p.Cys1120=)

Gene: STRC (stereocilin; minus strand). Cytogenetic location: 15q15.3.
Variant type: single nucleotide variant.
Coding change: c.3360T>C on transcript NM_153700.2 (MANE Select); coding-DNA position 3360, T replaced by C.
Protein change: p.Cys1120=; no amino-acid change (cysteine 1120 retained).
Molecular consequence: synonymous variant.
Genome position (GRCh38, 1-based): chr15:43,610,931, A>G on the plus strand (T>C on the coding strand, the complement: STRC is on the minus strand). VCF-style: chr15-43610931-A-G. GRCh37 (hg19) VCF-style: chr15-43903129-A-G.
Other names: p.Cys1120=.
Identifiers: ClinVar variation 227082 (VCV000227082.14), dbSNP rs56385906, ClinGen allele CA7528353.

ClinVar aggregate classification (germline): Benign/Likely benign. Review status: criteria provided, multiple submitters, no conflicts (2 of 4 stars). 7 submissions from 7 submitters: Benign (2); Likely benign (3). 2 of the submissions do not count toward it. Last evaluated 2023-11-20.

Conditions:
Autosomal recessive nonsyndromic hearing loss 16. Also called: DFNB16 Nonsyndromic Hearing Loss and Deafness; DEAFNESS, AUTOSOMAL RECESSIVE 16. Identifiers: Orphanet 90636, MedGen C1863561, MONDO:0011364, OMIM 603720.

Allele frequency attached by ClinVar (database versions not stated): gnomAD 0.01920 and 0.01903; ExAC 0.02814; gnomAD exomes 0.01334; 1000 Genomes Project 30x 0.01921.

Submissions (7):

Mayo Clinic Laboratories, Mayo Clinic
Classification: Benign. Last evaluated: 2023-11-20. Review status: criteria provided, single submitter. Criteria: ACMG Guidelines, 2015. Collection method: clinical testing. Allele origin: germline. Observed: 10 variant alleles.

GeneDx
Classification: Likely benign. Last evaluated: 2019-10-05. Review status: criteria provided, single submitter. Criteria: GeneDx Variant Classification Process June 2021. Collection method: clinical testing. Allele origin: germline. Affected: yes.

Laboratory for Molecular Medicine, Mass General Brigham Personalized Medicine
Classification: Benign. Last evaluated: 2013-06-26. Review status: criteria provided, single submitter. Criteria: LMM Criteria. Collection method: clinical testing. Allele origin: germline. Observed: 21 variant alleles.
Comment: Cys1120Cys in Exon 14 of STRC: This variant is not expected to have clinical sig nificance because it does not alter an amino acid residue, is not located within the splice consensus sequence, has been identified in 7.6% (10/132) of chromoso mes from an European American (CEU) population in 1000Genomes project (reported in Deafness Variation Database; dbSNP rs56 385906).

Breakthrough Genomics
Classification: Likely benign. Review status: criteria provided, single submitter. Criteria: ACMG Guidelines, 2015. Collection method: not provided. Allele origin: germline. Inheritance: Autosomal recessive inheritance. Affected: yes.

Genome-Nilou Lab
Classification: Likely benign for Autosomal recessive nonsyndromic hearing loss 16. Review status: criteria provided, single submitter. Criteria: ACMG Guidelines, 2015. Collection method: clinical testing. Allele origin: germline.

Clinical Genetics DNA and cytogenetics Diagnostics Lab, Erasmus MC, Erasmus Medical Center
Classification: Likely benign. Review status: no assertion criteria provided. Collection method: clinical testing. Allele origin: germline. Affected: yes. Study: VKGL Data-share Consensus. Not counted in ClinVar's aggregate classification.

Joint Genome Diagnostic Labs from Nijmegen and Maastricht, Radboudumc and MUMC+
Classification: Benign. Review status: no assertion criteria provided. Collection method: clinical testing. Allele origin: germline. Affected: yes. Study: VKGL Data-share Consensus. Not counted in ClinVar's aggregate classification.